The following is an entry in ClinVar:

NM_001197104.2(KMT2A):c.3295G>A (p.Glu1099Lys)

Gene: KMT2A (lysine methyltransferase 2A; plus strand). Cytogenetic location: 11q23.3.
Variant type: single nucleotide variant.
Coding change: c.3295G>A on transcript NM_001197104.2 (MANE Select); coding-DNA position 3295, G replaced by A.
Protein change: p.Glu1099Lys; replaces glutamic acid 1099 with lysine.
Molecular consequence: missense variant.
Genome position (GRCh38, 1-based): chr11:118,476,943, G>A. VCF-style: chr11-118476943-G-A. GRCh37 (hg19) VCF-style: chr11-118347658-G-A.
Other names: c.3295G>A, p.Glu1099Lys (NM_005933.4); c.3295G>A (NM_001197104.1); short protein forms E1099K.
Identifiers: ClinVar variation 1354372 (VCV001354372.7), dbSNP rs2134282734, ClinGen allele CA382824034.
Genomic context (GRCh38, chr11:118,476,943, plus strand): 5'-CTTGGCCGAAAACGAGCTGTGTTTCCTGATGACATGCCCACCCTGAGTGCCTTACCATGG[G>A]AAGAACGAGAAAAGATTTTGTCTTCCATGGGGAATGATGGTAGGTCAAGAAGGTCAATCT-3'
Protein context (NP_001184033.1, residues 1089-1109): DMPTLSALPW[Glu1099Lys]EREKILSSMG

ClinVar aggregate classification (germline): Uncertain significance. Review status: criteria provided, multiple submitters, no conflicts (2 of 4 stars). 2 submissions from 2 submitters: Uncertain significance (2). Last evaluated 2025-06-11.

Submissions (2):

GeneDx
Classification: Uncertain significance. Last evaluated: 2025-06-11. Review status: criteria provided, single submitter. Criteria: GeneDx Variant Classification Process June 2021. Collection method: clinical testing. Allele origin: germline. Affected: yes.
Comment: Not observed at significant frequency in large population cohorts (gnomAD); In silico analysis suggests that this missense variant does not alter protein structure/function; Has not been previously published as pathogenic or benign to our knowledge

Labcorp Genetics (formerly Invitae), Labcorp
Classification: Uncertain significance. Last evaluated: 2021-11-30. Review status: criteria provided, single submitter. Criteria: Invitae Variant Classification Sherloc (09022015). Collection method: clinical testing. Allele origin: germline.
Comment: Algorithms developed to predict the effect of missense changes on protein structure and function are either unavailable or do not agree on the potential impact of this missense change (SIFT: "Tolerated"; PolyPhen-2: "Possibly Damaging"; Align-GVGD: "Class C0"). This variant has not been reported in the literature in individuals affected with KMT2A-related conditions. This variant is not present in population databases (gnomAD no frequency). This sequence change replaces glutamic acid, which is acidic and polar, with lysine, which is basic and polar, at codon 1099 of the KMT2A protein (p.Glu1099Lys). In summary, the available evidence is currently insufficient to determine the role of this variant in disease. Therefore, it has been classified as a Variant of Uncertain Significance.